The following is an entry in ClinVar:

NM_000136.3(FANCC):c.1471CTC[1] (p.Leu492del)

Genes: FANCC (FA complementation group C; minus strand), AOPEP (aminopeptidase O (putative); plus strand). Cytogenetic location: 9q22.32.
Variant type: Microsatellite.
Coding change: c.1471CTC[1] on transcript NM_000136.3 (MANE Select); one copy of the 3-base unit CTC starting at c.1471; the reference has two copies in a row; one copy, 3 bases deleted; also written c.1474_1476del.
Protein change: p.Leu492del; deletes leucine 492.
Molecular consequence: inframe deletion.
Genome position (GRCh38, 1-based): chr9:95,107,123-95,107,125, GAG deleted on the plus strand (CTC on the coding strand, the reverse complement: FANCC is on the minus strand); deleting any 3 consecutive bases within chr9:95,107,123-95,107,128 gives the same sequence; the position shown is the placement nearest the transcript's 3' end. VCF-style (leftmost placement, unchanged base first): chr9-95107122-TGAG-T. GRCh37 (hg19) VCF-style: chr9-97869404-TGAG-T.
Other names: c.1474_1476del (NM_000136.3); c.1471CTC[1], p.Leu492del (NM_001243743.2); c.1474_1476delCTC (NM_000136.2); short protein forms L492del.
Identifiers: ClinVar variation 958604 (VCV000958604.17), dbSNP rs2071510744, ClinGen allele CA466092278.

ClinVar aggregate classification (germline): Uncertain significance. Review status: criteria provided, multiple submitters, no conflicts (2 of 4 stars). 4 submissions from 4 submitters: Uncertain significance (3). 1 of the submissions does not count toward it. Last evaluated 2022-04-12.

Conditions:
Hereditary cancer-predisposing syndrome. Also called: Tumor predisposition; Hereditary neoplastic syndrome; Neoplastic Syndromes, Hereditary; Hereditary Cancer Syndrome. Identifiers: Orphanet 140162, MedGen C0027672, MeSH D009386, MONDO:0015356.
Fanconi anemia (FA). Also called: Fanconi's anemia. Identifiers: Orphanet 84, MedGen C0015625, MeSH D005199, MONDO:0019391.

Submissions (4):

Ambry Genetics
Classification: Uncertain significance for Hereditary cancer-predisposing syndrome. Last evaluated: 2022-04-12. Review status: criteria provided, single submitter. Criteria: Ambry Variant Classification Scheme 2023. Collection method: clinical testing. Allele origin: germline.
Comment: The c.1474_1476delCTC variant (also known as p.L492del) is located in coding exon 13 of the FANCC gene. This variant results from an in-frame CTC deletion at nucleotide positions 1474 to 1476. This results in the in-frame deletion of a leucine at codon 492. This amino acid position is well conserved in available vertebrate species. In addition, this alteration is predicted to be deleterious by in silico analysis (Choi Y et al. PLoS ONE. 2012; 7(10):e46688). Since supporting evidence is limited at this time, the clinical significance of this alteration remains unclear.

Labcorp Genetics (formerly Invitae), Labcorp
Classification: Uncertain significance for Fanconi anemia. Last evaluated: 2020-03-29. Review status: criteria provided, single submitter. Criteria: Invitae Variant Classification Sherloc (09022015). Collection method: clinical testing. Allele origin: germline.
Comment: In summary, the available evidence is currently insufficient to determine the role of this variant in disease. Therefore, it has been classified as a Variant of Uncertain Significance. Experimental studies and prediction algorithms are not available or were not evaluated for this variant, and the functional significance of this variant is currently unknown. This variant has not been reported in the literature in individuals with FANCC-related conditions. This variant is not present in population databases (ExAC no frequency). This variant, c.1474_1476del, results in the deletion of 1 amino acid(s) of the FANCC protein (p.Leu492del), but otherwise preserves the integrity of the reading frame.

GeneDx
Classification: Uncertain significance. Last evaluated: 2019-08-22. Review status: criteria provided, single submitter. Criteria: GeneDx Variant Classification Process June 2021. Collection method: clinical testing. Allele origin: germline. Affected: yes.
Comment: Not observed in large population cohorts (Lek 2016); In silico analysis, which includes protein predictors and evolutionary conservation, supports a deleterious effect; Has not been previously published as pathogenic or benign to our knowledge

Natera, Inc.
Classification: Uncertain significance for Fanconi anemia. Last evaluated: 2021-05-19. Review status: no assertion criteria provided. Collection method: clinical testing. Allele origin: germline. Not counted in ClinVar's aggregate classification.